The following is an entry in ClinVar:

NM_000368.5(TSC1):c.2530C>T (p.Gln844Ter)

Gene: TSC1 (TSC complex subunit 1; minus strand). Cytogenetic location: 9q34.13.
Variant type: single nucleotide variant.
Coding change: c.2530C>T on transcript NM_000368.5 (MANE Select); coding-DNA position 2530, C replaced by T.
Protein change: p.Gln844Ter; replaces glutamine 844 with a stop codon.
Molecular consequence: nonsense.
Genome position (GRCh38, 1-based): chr9:132,900,810, G>A on the plus strand (C>T on the coding strand, the complement: TSC1 is on the minus strand). VCF-style: chr9-132900810-G-A. GRCh37 (hg19) VCF-style: chr9-135776197-G-A.
Other names: c.2527C>T, p.Gln843Ter (NM_001162426.2); c.2377C>T, p.Gln793Ter (NM_001162427.2); c.2167C>T, p.Gln723Ter (NM_001362177.2); short protein forms Q844*, Q793*, Q843*, Q723*.
Identifiers: ClinVar variation 428189 (VCV000428189.9), dbSNP rs1114167619, ClinGen allele CA375370252.

ClinVar aggregate classification (germline): Pathogenic. Review status: criteria provided, multiple submitters, no conflicts (2 of 4 stars). 3 submissions from 3 submitters: Pathogenic (3). Last evaluated 2025-12-23.

Conditions:
Hereditary cancer-predisposing syndrome. Also called: Neoplastic Syndromes, Hereditary; Tumor predisposition; Hereditary neoplastic syndrome; Hereditary Cancer Syndrome. Identifiers: Orphanet 140162, MedGen C0027672, MeSH D009386, MONDO:0015356.
Tuberous sclerosis 1 (TSC1). Identifiers: Orphanet 805, MedGen C1854465, MONDO:0008612, OMIM 191100.

Submissions (3):

3billion
Classification: Pathogenic for Tuberous sclerosis 1. Last evaluated: 2025-12-23. Review status: criteria provided, single submitter. Criteria: ACMG Guidelines, 2015. Collection method: clinical testing. Allele origin: germline. Affected: yes.
Comment: The variant is not observed in the gnomAD v4.1.0 dataset. Predicted Consequence/Location: Stop-gained (nonsense): predicted to result in a loss or disruption of normal protein function through nonsense-mediated decay (NMD) or protein truncation. Multiple pathogenic variants are reported downstream of the variant. The variant has been reported at least twice as pathogenic without evidence for the classification (ClinVar ID: VCV000428189). Therefore, this variant is classified as Pathogenic according to the recommendation of ACMG/AMP guideline.

Ambry Genetics
Classification: Pathogenic for Hereditary cancer-predisposing syndrome. Last evaluated: 2025-08-07. Review status: criteria provided, single submitter. Criteria: Ambry Variant Classification Scheme 2023. Collection method: clinical testing. Allele origin: germline.
Comment: The p.Q844* pathogenic mutation (also known as c.2530C>T), located in coding exon 18 of the TSC1 gene, results from a C to T substitution at nucleotide position 2530. This changes the amino acid from a glutamine to a stop codon within coding exon 18. This variant is considered to be rare based on population cohorts in the Genome Aggregation Database (gnomAD). This alteration is expected to result in loss of function by premature protein truncation or nonsense-mediated mRNA decay. As such, this alteration is interpreted as a disease-causing mutation.

Labcorp Genetics (formerly Invitae), Labcorp
Classification: Pathogenic for Tuberous sclerosis 1. Last evaluated: 2024-10-17. Review status: criteria provided, single submitter. Criteria: Invitae Variant Classification Sherloc (09022015). Collection method: clinical testing. Allele origin: germline.
Comment: This sequence change creates a premature translational stop signal (p.Gln844*) in the TSC1 gene. It is expected to result in an absent or disrupted protein product. Loss-of-function variants in TSC1 are known to be pathogenic (PMID: 10227394, 17304050). This variant is not present in population databases (gnomAD no frequency). This premature translational stop signal has been observed in individual(s) with tuberous sclerosis complex (PMID: 29926239). ClinVar contains an entry for this variant (Variation ID: 428189). For these reasons, this variant has been classified as Pathogenic.

Literature cited by the submitters: PubMed 10227394 (cited by Labcorp Genetics (formerly Invitae), Labcorp); PubMed 17304050 (cited by Labcorp Genetics (formerly Invitae), Labcorp); PubMed 29926239 (cited by Labcorp Genetics (formerly Invitae), Labcorp).